The following is an entry in ClinVar:

ClinVar aggregate classification (germline): Pathogenic/Likely pathogenic. Review status: criteria provided, multiple submitters, no conflicts (2 of 4 stars). 5 submissions from 5 submitters: Pathogenic (1); Likely pathogenic (4). Last evaluated 2025-03-17.

Conditions:
Hereditary cancer-predisposing syndrome. Also called: Tumor predisposition; Hereditary neoplastic syndrome; Neoplastic Syndromes, Hereditary; Hereditary Cancer Syndrome. Identifiers: Orphanet 140162, MedGen C0027672, MeSH D009386, MONDO:0015356.
Familial cancer of breast. Also called: Hereditary breast cancer; BREAST CANCER, FAMILIAL; hereditary breast carcinoma. Identifiers: Orphanet 227535, MedGen C0346153, MONDO:0016419, OMIM 114480. Disease mechanism: loss of function.
Ataxia-telangiectasia syndrome (AT). Also called: Ataxia-telangiectasia, complementation group D; AT, COMPLEMENTATION GROUP C; ATAXIA-TELANGIECTASIA, COMPLEMENTATION GROUP A; ATAXIA-TELANGIECTASIA, FRESNO VARIANT; Ataxia-telangiectasia; LOUIS-BAR SYNDROME. Identifiers: Orphanet 100, MedGen C0004135, MONDO:0008840, OMIM 208900.

Submissions (5):

Natera, Inc.
Classification: Likely pathogenic for Ataxia-telangiectasia. Last evaluated: 2025-03-17. Review status: criteria provided, single submitter. Criteria: Natera Variant Classification Schema (03/2026). Collection method: clinical testing. Allele origin: germline.
Comment: The c.8416_8418+5del variant in ATM is a frameshift variant predicted to shift the reading frame and introduce a stop codon. This variant is expected to result in nonsense mediated decay, truncation, or a dysfunctional protein product. This variant is rare in the general population with a frequency below the threshold expected for the associated phenotype(s). Given the available evidence, this variant is classified as Likely Pathogenic.

Baylor Genetics
Classification: Likely pathogenic for Familial cancer of breast. Last evaluated: 2024-02-08. Review status: criteria provided, single submitter. Criteria: ACMG Guidelines, 2015. Collection method: clinical testing. Allele origin: unknown.

Myriad Genetics, Inc.
Classification: Likely pathogenic for Familial cancer of breast. Last evaluated: 2024-02-02. Review status: criteria provided, single submitter. Criteria: Myriad Autosomal Dominant, Autosomal Recessive and X-Linked Classification Criteria (2023). Collection method: clinical testing. Allele origin: unknown.
Comment: This variant is considered likely pathogenic. This variant occurs within a consensus splice junction and is predicted to result in abnormal mRNA splicing of either an out-of-frame exon or an in-frame exon necessary for protein stability and/or normal function.

Labcorp Genetics (formerly Invitae), Labcorp
Classification: Pathogenic for Ataxia-telangiectasia syndrome. Last evaluated: 2023-08-10. Review status: criteria provided, single submitter. Criteria: Invitae Variant Classification Sherloc (09022015). Collection method: clinical testing. Allele origin: germline.
Comment: This variant has not been reported in the literature in individuals affected with ATM-related conditions. This sequence change affects a splice site in intron 57 of the ATM gene. RNA analysis indicates that disruption of this splice site induces altered splicing and likely results in a shortened protein product. This variant is not present in population databases (gnomAD no frequency). ClinVar contains an entry for this variant (Variation ID: 642529). Studies have shown that disruption of this splice site results in skipping of exon 57, but is expected to preserve the integrity of the reading-frame (Invitae). This variant disrupts a region of the ATM protein in which other variant(s) (p.Gly2765Ser) have been determined to be pathogenic (PMID: 10534763, 19781682, 21792198). This suggests that this is a clinically significant region of the protein, and that variants that disrupt it are likely to be disease-causing. For these reasons, this variant has been classified as Pathogenic.

Ambry Genetics
Classification: Likely pathogenic for Hereditary cancer-predisposing syndrome. Last evaluated: 2023-04-28. Review status: criteria provided, single submitter. Criteria: Ambry Variant Classification Scheme 2023. Collection method: clinical testing. Allele origin: germline.
Comment: The c.8416_8418+5delATGGTGAG variant results from a deletion of eight nucleotides at positions c.8416 to c.8418+5, spanning the boundary of coding exon 56 and intron 56 of the ATM gene. This nucleotide region is highly conserved in available vertebrate species. In silico splice site analysis predicts that this alteration will weaken the native splice donor site; however, direct evidence is insufficient at this time (Ambry internal data). Alterations that disrupt the canonical splice site are expected to cause aberrant splicing, resulting in an abnormal protein or a transcript that is subject to nonsense-mediated mRNA decay. As such, this alteration is classified as likely pathogenic.

Literature cited by the submitters: PubMed 10534763 (cited by Labcorp Genetics (formerly Invitae), Labcorp); PubMed 19781682 (cited by Labcorp Genetics (formerly Invitae), Labcorp); PubMed 21792198 (cited by Labcorp Genetics (formerly Invitae), Labcorp).

NM_000051.4(ATM):c.8416_8418+5del

Genes: ATM (ATM serine/threonine kinase; plus strand), C11orf65 (chromosome 11 open reading frame 65; minus strand). Cytogenetic location: 11q22.3.
Variant type: Deletion.
Coding change: c.8416_8418+5del on transcript NM_000051.4 (MANE Select); coding-DNA position 8416 through 5 bases into the intron after coding-DNA position 8418, 8 bases deleted (ATGGTGAG; older notation c.8416_8418+5delATGGTGAG).
Molecular consequence: splice donor variant. On other transcripts: intron variant (2).
Genome position (GRCh38, 1-based): chr11:108,343,369-108,343,376, ATGGTGAG deleted; deleting any 8 consecutive bases within chr11:108,343,368-108,343,376 gives the same sequence; the c. name uses the placement nearest the transcript's 3' end. VCF-style (leftmost placement, unchanged base first): chr11-108343367-TGATGGTGA-T. GRCh37 (hg19) VCF-style: chr11-108214094-TGATGGTGA-T.
Other names: c.8416_8418+5del (NM_001351834.2); c.641-34304_641-34297del (NM_001330368.2); c.695-8083_695-8076del (NM_001351110.2); c.8416_8418+5delATGGTGAG (NM_000051.3).
Identifiers: ClinVar variation 642529 (VCV000642529.14), dbSNP rs1591249480, ClinGen allele CA915948322.
Genomic context (GRCh38, chr11:108,343,367, plus strand): 5'-ATGGTGCTCATAAAAGATACAGGCCAAATGATTTCAGTGCCTTTCAGTGCCAAAAGAAAA[TGATGGTGA>T]GTGACACCCAAAATTAAAGGTTATTGTAAGATTATTTAATGGCTTATTAAAGCTGACAGC-3'